The following is an entry in ClinVar:

NM_018685.5(ANLN):c.2569G>A (p.Gly857Ser)

Gene: ANLN (anillin, actin binding protein; plus strand). Cytogenetic location: 7p14.2.
Variant type: single nucleotide variant.
Coding change: c.2569G>A on transcript NM_018685.5 (MANE Select); coding-DNA position 2569, G replaced by A.
Protein change: p.Gly857Ser; replaces glycine 857 with serine.
Molecular consequence: missense variant.
Genome position (GRCh38, 1-based): chr7:36,423,909, G>A. VCF-style: chr7-36423909-G-A. GRCh37 (hg19) VCF-style: chr7-36463518-G-A.
Other names: c.2458G>A, p.Gly820Ser (NM_001284301.3); c.2455G>A, p.Gly819Ser (NM_001284302.3); short protein forms G857S, G819S, G820S.
Identifiers: ClinVar variation 2228533 (VCV002228533.4), dbSNP rs199943918, ClinGen allele CA4219897.
Genomic context (GRCh38, chr7:36,423,909, plus strand): 5'-AAAGCAGGAGCTGAAAATATGGTAGCCACACCATTAGCAAGTACTTCAAACTCTCTTAAC[G>A]GTGATGCTCTGACATTCACTACTACATTTACTCTGTAAGTAAATCAGGCTTTTGATGATT-3'
Protein context (NP_061155.2, residues 847-867): PLASTSNSLN[Gly857Ser]DALTFTTTFT

ClinVar aggregate classification (germline): Uncertain significance. Review status: criteria provided, multiple submitters, no conflicts (2 of 4 stars). 2 submissions from 2 submitters: Uncertain significance (2). Last evaluated 2025-08-06.

gnomAD v4.1: 31 of 1,612,222 alleles (0.0019%); highest among the groups gnomAD compares: Admixed American, 0.038%; no homozygotes.

Submissions (2):

Ambry Genetics
Classification: Uncertain significance. Last evaluated: 2025-08-06. Review status: criteria provided, single submitter. Criteria: Ambry Variant Classification Scheme 2023. Collection method: clinical testing. Allele origin: germline.

Labcorp Genetics (formerly Invitae), Labcorp
Classification: Uncertain significance. Last evaluated: 2025-06-12. Review status: criteria provided, single submitter. Criteria: Invitae Variant Classification Sherloc (09022015). Collection method: clinical testing. Allele origin: germline.
Comment: This sequence change replaces glycine, which is neutral and non-polar, with serine, which is neutral and polar, at codon 857 of the ANLN protein (p.Gly857Ser). This variant is present in population databases (rs199943918, gnomAD 0.03%). This variant has not been reported in the literature in individuals affected with ANLN-related conditions. ClinVar contains an entry for this variant (Variation ID: 2228533). Invitae Evidence Modeling of protein sequence and biophysical properties (such as structural, functional, and spatial information, amino acid conservation, physicochemical variation, residue mobility, and thermodynamic stability) indicates that this missense variant is not expected to disrupt ANLN protein function with a negative predictive value of 80%. In summary, the available evidence is currently insufficient to determine the role of this variant in disease. Therefore, it has been classified as a Variant of Uncertain Significance.